The following is an entry in ClinVar:

ClinVar aggregate classification (germline): Conflicting classifications of pathogenicity. Review status: criteria provided, conflicting classifications (1 of 4 stars). 2 submissions from 2 submitters: Uncertain significance (1); Likely benign (1). Last evaluated 2025-05-16.

Conditions:
Hereditary cancer-predisposing syndrome. Also called: Neoplastic Syndromes, Hereditary; Tumor predisposition; Hereditary neoplastic syndrome; Hereditary Cancer Syndrome. Identifiers: Orphanet 140162, MedGen C0027672, MeSH D009386, MONDO:0015356.
Breast-ovarian cancer, familial, susceptibility to, 2 (BROVCA2). Also called: BRCA2 Hereditary Breast and Ovarian Cancer. Identifiers: Orphanet 145, MedGen C2675520, MONDO:0012933, OMIM 612555. Disease mechanism: loss of function.

Submissions (2):

Ambry Genetics
Classification: Likely benign for Hereditary cancer-predisposing syndrome. Last evaluated: 2025-05-16. Review status: criteria provided, single submitter. Criteria: Ambry Variant Classification Scheme 2023. Collection method: clinical testing. Allele origin: germline.

All of Us Research Program, National Institutes of Health
Classification: Uncertain significance for Breast-ovarian cancer, familial, susceptibility to, 2. Last evaluated: 2023-04-03. Review status: criteria provided, single submitter. Criteria: ACMG Guidelines, 2015. Collection method: clinical testing. Allele origin: germline. Inheritance: Autosomal dominant inheritance. Observed: 1 variant allele, 1 heterozygote.
Comment: This missense variant replaces tyrosine with cysteine at codon 3006 of the BRCA2 protein. Computational prediction is inconclusive regarding the impact of this variant on protein structure and function (internally defined REVEL score threshold 0.5 < inconclusive < 0.7, PMID: 27666373). To our knowledge, functional studies have not been reported for this variant. This variant has not been reported in individuals affected with hereditary cancer in the literature. This variant has not been identified in the general population by the Genome Aggregation Database (gnomAD). The available evidence is insufficient to determine the role of this variant in disease conclusively. Therefore, this variant is classified as a Variant of Uncertain Significance.

This study involves interpretation of variants in research participants for the purpose of population health screening. Participant phenotype was not available at the time of variant classification. Additional details can be found in publication PMID: 35346344, PMCID: PMC8962531

NM_000059.4(BRCA2):c.9017A>G (p.Tyr3006Cys)

Gene: BRCA2 (BRCA2 DNA repair associated; plus strand). Cytogenetic location: 13q13.1.
Variant type: single nucleotide variant.
Coding change: c.9017A>G on transcript NM_000059.4 (MANE Select); coding-DNA position 9017, A replaced by G.
Protein change: p.Tyr3006Cys; replaces tyrosine 3006 with cysteine.
Molecular consequence: missense variant.
Genome position (GRCh38, 1-based): chr13:32,379,813, A>G. VCF-style: chr13-32379813-A-G. GRCh37 (hg19) VCF-style: chr13-32953950-A-G.
Other names: c.8921A>G, p.Tyr2974Cys (NM_001406719.1); c.8966A>G, p.Tyr2989Cys (NM_001406720.1); c.4085A>G, p.Tyr1362Cys (NM_001406721.1); c.2600A>G, p.Tyr867Cys (NM_001406722.1); short protein forms Y2974C, Y1362C, Y2989C, Y3006C, Y867C.
Identifiers: ClinVar variation 1765483 (VCV001765483.4), dbSNP rs2137622663, ClinGen allele CA387757475.